The following is an entry in ClinVar:

NM_004130.4(GYG1):c.662A>C (p.Asn221Thr)

Gene: GYG1 (glycogenin 1; plus strand). Cytogenetic location: 3q24.
Variant type: single nucleotide variant.
Coding change: c.662A>C on transcript NM_004130.4 (MANE Select); coding-DNA position 662, A replaced by C.
Protein change: p.Asn221Thr; replaces asparagine 221 with threonine.
Molecular consequence: missense variant. On other transcripts: intron variant (1).
Genome position (GRCh38, 1-based): chr3:149,024,106, A>C. VCF-style: chr3-149024106-A-C. GRCh37 (hg19) VCF-style: chr3-148741893-A-C.
Other names: c.662A>C, p.Asn221Thr (NM_001184720.2); c.609-2654A>C (NM_001184721.2); short protein forms N221T.
Identifiers: ClinVar variation 642738 (VCV000642738.1), dbSNP rs1412348949, ClinGen allele CA354907975.

ClinVar aggregate classification (germline): Uncertain significance (1 of 4 stars; one submission).

Conditions:
Polyglucosan body myopathy type 2. Identifiers: Orphanet 456369, MedGen C4015452, MONDO:0014526, OMIM 616199.
Glycogen storage disease XV (GSD15). Also called: GLYCOGENIN DEFICIENCY; GSD XV. Identifiers: Orphanet 263297, MedGen C3150754, MONDO:0013291, OMIM 613507.

gnomAD v4.1: 1 of 1,614,196 alleles (0.000062%); no homozygotes.

Submission:

Labcorp Genetics (formerly Invitae), Labcorp
Classification: Uncertain significance for Polyglucosan body myopathy 2; Glycogen storage disease XV. Last evaluated: 2018-12-21. Review status: criteria provided, single submitter. Criteria: Invitae Variant Classification Sherloc (09022015). Collection method: clinical testing. Allele origin: germline.
Comment: This sequence change replaces asparagine with threonine at codon 221 of the GYG1 protein (p.Asn221Thr). The asparagine residue is highly conserved and there is a small physicochemical difference between asparagine and threonine. This variant is not present in population databases (ExAC no frequency). This variant has not been reported in the literature in individuals with GYG1-related conditions. Algorithms developed to predict the effect of missense changes on protein structure and function are either unavailable or do not agree on the potential impact of this missense change (SIFT: "Deleterious"; PolyPhen-2: "Possibly Damaging"; Align-GVGD: "Class C0"). In summary, the available evidence is currently insufficient to determine the role of this variant in disease. Therefore, it has been classified as a Variant of Uncertain Significance.